The following is an entry in ClinVar:

NM_000038.6(APC):c.1743+2T>C

Gene: APC (APC regulator of Wnt signaling pathway; plus strand). Cytogenetic location: 5q22.2.
Variant type: single nucleotide variant.
Coding change: c.1743+2T>C on transcript NM_000038.6 (MANE Select); the canonical splice donor site of the intron after coding-DNA position 1743, T replaced by C.
Molecular consequence: splice donor variant.
Genome position (GRCh38, 1-based): chr5:112,828,974, T>C. VCF-style: chr5-112828974-T-C. GRCh37 (hg19) VCF-style: chr5-112164671-T-C.
Other names: c.894+2T>C (NM_001407470.1, NM_001354906.2); c.591+2T>C (NM_001407472.1, NM_001407471.1); c.1797+2T>C (NM_001407447.1, NM_001407448.1, NM_001407449.1 and 1 more transcripts); c.1743+2T>C (NM_001354895.2, NM_001407450.1, NM_001127510.3); c.1494+2T>C (NM_001407456.1, NM_001407457.1, NM_001407455.1 and 1 more transcripts); c.1440+2T>C (NM_001407460.1, NM_001407458.1, NM_001407459.1 and 1 more transcripts); c.1713+2T>C (NM_001407452.1); c.1356+2T>C (NM_001407469.1, NM_001407467.1); and 11 more.
Identifiers: ClinVar variation 2447192 (VCV002447192.7), dbSNP rs2149818637, ClinGen allele CA360620724.

ClinVar aggregate classification (germline): Likely pathogenic. Review status: criteria provided, multiple submitters, no conflicts (2 of 4 stars). 4 submissions from 4 submitters: Likely pathogenic (4). Last evaluated 2024-04-29.

Conditions:
Hereditary cancer-predisposing syndrome. Also called: Neoplastic Syndromes, Hereditary; Hereditary Cancer Syndrome; Tumor predisposition; Hereditary neoplastic syndrome. Identifiers: Orphanet 140162, MedGen C0027672, MeSH D009386, MONDO:0015356.
Familial adenomatous polyposis 1 (FAP1). Also called: FAMILIAL ADENOMATOUS POLYPOSIS 1, ATTENUATED; POLYPOSIS, ADENOMATOUS INTESTINAL. Identifiers: MedGen C2713442, MONDO:0021056, OMIM 175100. Disease mechanism: loss of function.

Submissions (4):

GeneDx
Classification: Likely pathogenic. Last evaluated: 2024-04-29. Review status: criteria provided, single submitter. Criteria: GeneDx Variant Classification Process June 2021. Collection method: clinical testing. Allele origin: germline. Affected: yes.
Comment: Canonical splice site variant predicted to result in an in-frame loss of the adjacent exon in a gene for which loss of function is a known mechanism of disease; Observed in a family with a reported diagnosis of familial adenomatous polyposis (PMID: 8990002); Not observed at significant frequency in large population cohorts (gnomAD); This variant is associated with the following publications: (PMID: 25525159, 18199528, 8990002)

Myriad Genetics, Inc.
Classification: Likely pathogenic for Familial adenomatous polyposis 1. Last evaluated: 2023-05-03. Review status: criteria provided, single submitter. Criteria: Myriad Autosomal Dominant, Autosomal Recessive and X-Linked Classification Criteria (2023). Collection method: clinical testing. Allele origin: unknown.
Comment: This variant is considered likely pathogenic. This variant occurs within a consensus splice junction and is predicted to result in abnormal mRNA splicing of either an out-of-frame exon or an in-frame exon necessary for protein stability and/or normal function.

Ambry Genetics
Classification: Likely pathogenic for Hereditary cancer-predisposing syndrome. Last evaluated: 2023-03-01. Review status: criteria provided, single submitter. Criteria: Ambry Variant Classification Scheme 2023. Collection method: clinical testing. Allele origin: germline.
Comment: The c.1743+2T>C intronic variant results from a T to C substitution two nucleotides after coding exon 13 in the APC gene. This alteration has been identified in a Dutch polyposis cohort (van der Luijt RB et al. Hum Mutat, 1997;9:7-16).This nucleotide position is highly conserved in available vertebrate species. In silico splice site analysis predicts that this alteration will weaken the native splice donor site. RNA studies have demonstrated that this alteration results in a transcript predicted to lead to a protein with an in-frame deletion of 39 amino acids. Other alterations impacting the same donor site have been shown to have a similar impact on splicing and have been identified in patients with APC-associated disease (Ambry internal data; Legarde A et al. J Med Genet 2010 Oct;47(10):721-2; Kaufmann A et al. J Mol Diagn. 2009 Mar; 11(2):131-9). This variant is considered to be rare based on population cohorts in the Genome Aggregation Database (gnomAD). Based on the majority of available evidence to date, this variant is likely to be pathogenic.

Labcorp Genetics (formerly Invitae), Labcorp
Classification: Likely pathogenic for Familial adenomatous polyposis 1. Last evaluated: 2022-10-27. Review status: criteria provided, single submitter. Criteria: Invitae Variant Classification Sherloc (09022015). Collection method: clinical testing. Allele origin: germline.
Comment: Disruption of this splice site has been observed in individual(s) with familial adenomatous polyposis (PMID: 8990002). This variant is not present in population databases (gnomAD no frequency). This sequence change affects a donor splice site in intron 14 of the APC gene. It is expected to disrupt RNA splicing. Variants that disrupt the donor or acceptor splice site typically lead to a loss of protein function (PMID: 16199547), and loss-of-function variants in APC are known to be pathogenic (PMID: 17963004, 20685668). This variant is also known as AAG/gt>AAG/gc . In summary, the currently available evidence indicates that the variant is pathogenic, but additional data are needed to prove that conclusively. Therefore, this variant has been classified as Likely Pathogenic. Algorithms developed to predict the effect of sequence changes on RNA splicing suggest that this variant may disrupt the consensus splice site.

Literature cited by the submitters: PubMed 8990002 (cited by Ambry Genetics and Labcorp Genetics (formerly Invitae), Labcorp); PubMed 16199547 (cited by Labcorp Genetics (formerly Invitae), Labcorp); PubMed 17963004 (cited by Labcorp Genetics (formerly Invitae), Labcorp); PubMed 20685668 (cited by Labcorp Genetics (formerly Invitae), Labcorp).